The following is an entry in ClinVar:

ClinVar aggregate classification (germline): Uncertain significance. Review status: reviewed by expert panel (3 of 4 stars). 2 submissions from 2 submitters: Uncertain significance (1). 1 of the submissions does not count toward it. Last evaluated 2026-10-08.

Conditions:
T-B+ severe combined immunodeficiency due to JAK3 deficiency. Also called: SCID, autosomal recessive, T-negative/B-positive type; SCID, T CELL-NEGATIVE, B CELL-POSITIVE, NK CELL-NEGATIVE. Identifiers: Orphanet 35078, MedGen C1833275, MONDO:0010938, OMIM 600802.

Allele frequency attached by ClinVar (database versions not stated): gnomAD exomes 0.00001; ExAC 0.00008.
gnomAD v4.1: 23 of 1,611,926 alleles (0.0014%); highest among the groups gnomAD compares: South Asian, 0.021%; no homozygotes.

Submissions (2):

ClinGen Severe Combined Immunodeficiency Variant Curation Expert Panel, ClinGen
Classification: Uncertain significance for T-B+ severe combined immunodeficiency due to JAK3 deficiency. Last evaluated: 2026-10-08. Review status: reviewed by expert panel. Criteria: ClinGen SCID ACMG Specifications JAK3 V2.3. Collection method: curation. Allele origin: germline. Inheritance: Autosomal recessive inheritance.
Comment: NM_000215.4(JAK3):c.2755G>C is a missense variant predicted to result in the substitution of alanine with proline at amino acid 919 (p.Ala919Pro). This variant is present in gnomAD v4.1.1 with a grpmax filtering allele frequency of 0.00013622 (South Asian), which does not meet the ClinGen SCID VCEP threshold for PM2_Supporting (<0.000115), nor does it reach the threshold for BS1_Strong (>0.001001); no homozygotes have been observed. This variant has not been reported in the literature in individual(s) affected with JAK3-related condition or in a functional study. In summary, this variant meets the criteria to be classified as a variant of uncertain significance for autosomal recessive severe combined immunodeficiency due to JAK3 deficiency with no ACMG/AMP criteria applied (VCEP specifications version 2.3.0).

Labcorp Genetics (formerly Invitae), Labcorp
Classification: Likely benign for T-B+ severe combined immunodeficiency due to JAK3 deficiency. Last evaluated: 2022-07-23. Review status: criteria provided, single submitter. Criteria: Invitae Variant Classification Sherloc (09022015). Collection method: clinical testing. Allele origin: germline. Not counted in ClinVar's aggregate classification.

NM_000215.4(JAK3):c.2755G>C (p.Ala919Pro)

Gene: JAK3 (Janus kinase 3; minus strand). Cytogenetic location: 19p13.11.
Variant type: single nucleotide variant.
Coding change: c.2755G>C on transcript NM_000215.4 (MANE Select); coding-DNA position 2755, G replaced by C.
Protein change: p.Ala919Pro; replaces alanine 919 with proline.
Molecular consequence: missense variant.
Genome position (GRCh38, 1-based): chr19:17,831,724, C>G on the plus strand (G>C on the coding strand, the complement: JAK3 is on the minus strand). VCF-style: chr19-17831724-C-G. GRCh37 (hg19) VCF-style: chr19-17942533-C-G.
Other names: NM_000215.4(JAK3):c.2755G>C; p.Ala919Pro; short protein forms A919P.
Identifiers: ClinVar variation 2019189 (VCV002019189.5), dbSNP rs750358689, ClinGen allele CA9301520.